The following is an entry in ClinVar:

NM_020297.4(ABCC9):c.2770-192C>T

Gene: ABCC9 (ATP binding cassette subfamily C member 9; minus strand). Cytogenetic location: 12p12.1.
Variant type: single nucleotide variant.
Coding change: c.2770-192C>T on transcript NM_020297.4 (MANE Select); 192 bases into the intron before coding-DNA position 2770, C replaced by T.
Molecular consequence: intron variant.
Genome position (GRCh38, 1-based): chr12:21,848,438, G>A on the plus strand (C>T on the coding strand, the complement: ABCC9 is on the minus strand). VCF-style: chr12-21848438-G-A. GRCh37 (hg19) VCF-style: chr12-22001372-G-A.
Other names: c.1903-192C>T (NM_001377274.1); c.2770-192C>T (NM_005691.4, NM_001377273.1).
Identifiers: ClinVar variation 675353 (VCV000675353.1), dbSNP rs74999685, ClinGen allele CA233597126.

ClinVar aggregate classification (germline): Benign (1 of 4 stars; one submission).

Allele frequency attached by ClinVar (database versions not stated): gnomAD 0.02158 and 0.02317; TOPMed 0.02387; 1000 Genomes Project 0.02556; 1000 Genomes Project 30x 0.02592.
gnomAD v4.1: 3,248 of 152,214 alleles (2.1%); highest among the groups gnomAD compares: African/African-American, 7.4%; 131 homozygotes.

Submission:

GeneDx
Classification: Benign. Last evaluated: 2018-06-18. Review status: criteria provided, single submitter. Criteria: GeneDx Variant Classification (06012015). Collection method: clinical testing. Allele origin: germline. Affected: yes.
Comment: This variant is considered likely benign or benign based on one or more of the following criteria: it is a conservative change, it occurs at a poorly conserved position in the protein, it is predicted to be benign by multiple in silico algorithms, and/or has population frequency not consistent with disease.